The following is an entry in ClinVar:

NM_000829.4(GRIA4):c.2615G>A (p.Arg872His)

Gene: GRIA4 (glutamate ionotropic receptor AMPA type subunit 4; plus strand). Cytogenetic location: 11q22.3.
Variant type: single nucleotide variant.
Coding change: c.2615G>A on transcript NM_000829.4 (MANE Select); coding-DNA position 2615, G replaced by A.
Protein change: p.Arg872His; replaces arginine 872 with histidine.
Molecular consequence: missense variant. On other transcripts: 3 prime UTR variant (1), non-coding transcript variant (1).
Genome position (GRCh38, 1-based): chr11:105,979,645, G>A. VCF-style: chr11-105979645-G-A. GRCh37 (hg19) VCF-style: chr11-105850372-G-A.
Other names: c.2615G>A (NM_000829.3); c.*73G>A (NM_001077243.3); short protein forms R872H.
Identifiers: ClinVar variation 974624 (VCV000974624.8), dbSNP rs756483110, ClinGen allele CA6258907.
Genomic context (GRCh38, chr11:105,979,645, plus strand): 5'-CTGAAGCCATAAGAAACAAAGCCAGATTATCCATCACTGGGAGTGTGGGAGAGAATGGCC[G>A]CGTCTTGACGCCTGACTGCCCAAAGGCTGTACACACTGGAACTGCAATCAGACAAAGTTC-3'
Protein context (NP_000820.4, residues 862-882): SITGSVGENG[Arg872His]VLTPDCPKAV

ClinVar aggregate classification (germline): Uncertain significance. Review status: criteria provided, multiple submitters, no conflicts (2 of 4 stars). 4 submissions from 4 submitters: Uncertain significance (3). 1 of the submissions does not count toward it. Last evaluated 2023-02-23.

Conditions:
Neurodevelopmental disorder with or without seizures and gait abnormalities. Identifiers: MedGen C4693391, MONDO:0060641, OMIM 617864.
GRIA4-related disorder. Also called: GRIA4-related condition.
Inborn genetic diseases. Identifiers: MedGen C0950123, MeSH D030342.

Allele frequency attached by ClinVar (database versions not stated): ExAC 0.00005; gnomAD 0.00003 and 0.00004; gnomAD exomes 0.00006; TOPMed 0.00006.
gnomAD v4.1: 65 of 1,613,216 alleles (0.004%); highest among the groups gnomAD compares: Middle Eastern, 0.016%; no homozygotes.

Submissions (4):

Ambry Genetics
Classification: Uncertain significance for Inborn genetic diseases. Last evaluated: 2023-02-23. Review status: criteria provided, single submitter. Criteria: Ambry Variant Classification Scheme 2023. Collection method: clinical testing. Allele origin: germline.

Foundation for Research in Genetics and Endocrinology, FRIGE's Institute of Human Genetics
Classification: Uncertain significance for Neurodevelopmental disorder with or without seizures and gait abnormalities. Last evaluated: 2020-04-14. Review status: criteria provided, single submitter. Criteria: ACMG Guidelines, 2015. Collection method: clinical testing. Allele origin: germline. Inheritance: Autosomal dominant inheritance. Affected: yes. Observed: 1 heterozygote.
Comment: A heterozygous missense variation in exon 17 of the GRIA4 gene that results in the amino acid substitution of Histidine for Arginine at codon 872 was detected. The observed variant c.2615G>A (p.Arg872His) has not been reported in the 1000 genomes and has a minor allele frequency of 0.005% in the ExAC databases. The in silico prediction of the variant are probably damaging by PolyPhen-2 (HumDiv) and damaging by SIFT, LRT and MutationTaster2. The reference codon is conserved across species. In summary, the variant meets our criteria to be classified as a variant of uncertain significance.

Institute of Human Genetics, University Hospital of Duesseldorf
Classification: Uncertain significance for Neurodevelopmental disorder with or without seizures and gait abnormalities. Review status: criteria provided, single submitter. Criteria: ACMG Guidelines, 2015. Collection method: not provided. Allele origin: germline. Inheritance: Autosomal dominant inheritance. Affected: yes.

PreventionGenetics, part of Exact Sciences
Classification: Likely benign for GRIA4-related condition. Last evaluated: 2022-04-28. Review status: no assertion criteria provided. Collection method: clinical testing. Allele origin: germline. Not counted in ClinVar's aggregate classification.
Comment: This variant is classified as likely benign based on ACMG/AMP sequence variant interpretation guidelines (Richards et al. 2015 PMID: 25741868, with internal and published modifications).